The following is an entry in ClinVar:

NM_015164.4(PLEKHM2):c.839T>C (p.Val280Ala)

Gene: PLEKHM2 (pleckstrin homology and RUN domain containing M2; plus strand). Cytogenetic location: 1p36.21.
Variant type: single nucleotide variant.
Coding change: c.839T>C on transcript NM_015164.4 (MANE Select); coding-DNA position 839, T replaced by C.
Protein change: p.Val280Ala; replaces valine 280 with alanine.
Molecular consequence: missense variant.
Genome position (GRCh38, 1-based): chr1:15,725,443, T>C. VCF-style: chr1-15725443-T-C. GRCh37 (hg19) VCF-style: chr1-16051938-T-C.
Other names: short protein forms V280A.
Identifiers: ClinVar variation 1002153 (VCV001002153.8), dbSNP rs1367075387, ClinGen allele CA338582948.

ClinVar aggregate classification (germline): Uncertain significance (1 of 4 stars; one submission).

Allele frequency attached by ClinVar (database versions not stated): gnomAD exomes 0.00001.
gnomAD v4.1: 3 of 1,567,952 alleles (0.00019%); highest among the groups gnomAD compares: Non-Finnish European, 0.00026%; no homozygotes.

Submission:

Labcorp Genetics (formerly Invitae), Labcorp
Classification: Uncertain significance. Last evaluated: 2020-04-21. Review status: criteria provided, single submitter. Criteria: Invitae Variant Classification Sherloc (09022015). Collection method: clinical testing. Allele origin: germline.
Comment: In summary, the available evidence is currently insufficient to determine the role of this variant in disease. Therefore, it has been classified as a Variant of Uncertain Significance. Algorithms developed to predict the effect of missense changes on protein structure and function (SIFT, PolyPhen-2, Align-GVGD) all suggest that this variant is likely to be tolerated, but these predictions have not been confirmed by published functional studies and their clinical significance is uncertain. This variant has not been reported in the literature in individuals with PLEKHM2-related conditions. This variant is not present in population databases (ExAC no frequency). This sequence change replaces valine with alanine at codon 280 of the PLEKHM2 protein (p.Val280Ala). The valine residue is weakly conserved and there is a small physicochemical difference between valine and alanine.